The following is an entry in ClinVar:

ClinVar aggregate classification (germline): Uncertain significance. Review status: criteria provided, multiple submitters, no conflicts (2 of 4 stars). 2 submissions from 2 submitters: Uncertain significance (2). Last evaluated 2025-09-14.

Conditions:
Hereditary cancer-predisposing syndrome. Also called: Neoplastic Syndromes, Hereditary; Tumor predisposition; Hereditary Cancer Syndrome; Hereditary neoplastic syndrome. Identifiers: Orphanet 140162, MedGen C0027672, MeSH D009386, MONDO:0015356.
Cardiovascular phenotype. Identifiers: MedGen CN230736.

Allele frequency attached by ClinVar (database versions not stated): gnomAD exomes 0.00001.
gnomAD v4.1: 11 of 1,613,384 alleles (0.00068%); highest among the groups gnomAD compares: Non-Finnish European, 0.00093%; no homozygotes.

Submissions (2):

Labcorp Genetics (formerly Invitae), Labcorp
Classification: Uncertain significance. Last evaluated: 2025-09-14. Review status: criteria provided, single submitter. Criteria: Invitae Variant Classification Sherloc (09022015). Collection method: clinical testing. Allele origin: germline.
Comment: This sequence change replaces valine, which is neutral and non-polar, with methionine, which is neutral and non-polar, at codon 602 of the LZTR1 protein (p.Val602Met). This variant is not present in population databases (gnomAD no frequency). This variant has not been reported in the literature in individuals affected with LZTR1-related conditions. ClinVar contains an entry for this variant (Variation ID: 1780455). Invitae Evidence Modeling of protein sequence and biophysical properties (such as structural, functional, and spatial information, amino acid conservation, physicochemical variation, residue mobility, and thermodynamic stability) indicates that this missense variant is not expected to disrupt LZTR1 protein function with a negative predictive value of 80%. In summary, the available evidence is currently insufficient to determine the role of this variant in disease. Therefore, it has been classified as a Variant of Uncertain Significance.

Ambry Genetics
Classification: Uncertain significance for Cardiovascular phenotype; Hereditary cancer-predisposing syndrome. Last evaluated: 2024-11-05. Review status: criteria provided, single submitter. Criteria: Ambry Variant Classification Scheme 2023. Collection method: clinical testing. Allele origin: germline.
Comment: The p.V602M variant (also known as c.1804G>A), located in coding exon 16 of the LZTR1 gene, results from a G to A substitution at nucleotide position 1804. The valine at codon 602 is replaced by methionine, an amino acid with highly similar properties. This amino acid position is conserved. In addition, the in silico prediction for this alteration is inconclusive. Based on the available evidence, the clinical significance of this variant remains unclear.

NM_006767.4(LZTR1):c.1804G>A (p.Val602Met)

Gene: LZTR1 (leucine zipper like post translational regulator 1; plus strand). Cytogenetic location: 22q11.21.
Variant type: single nucleotide variant.
Coding change: c.1804G>A on transcript NM_006767.4 (MANE Select); coding-DNA position 1804, G replaced by A.
Protein change: p.Val602Met; replaces valine 602 with methionine.
Molecular consequence: missense variant.
Genome position (GRCh38, 1-based): chr22:20,994,888, G>A. VCF-style: chr22-20994888-G-A. GRCh37 (hg19) VCF-style: chr22-21349177-G-A.
Other names: short protein forms V602M.
Identifiers: ClinVar variation 1780455 (VCV001780455.8), dbSNP rs2518622331, ClinGen allele CA410778487.